The following is an entry in ClinVar:

NM_183050.4(BCKDHB):c.885del (p.Gly296fs)

Gene: BCKDHB (branched chain keto acid dehydrogenase E1 subunit beta; plus strand). Cytogenetic location: 6q14.1.
Variant type: Deletion.
Coding change: c.885del on transcript NM_183050.4 (MANE Select); coding-DNA position 885, one base deleted (T; older notation c.885delT).
Protein change: p.Gly296fs; shifts the reading frame from glycine 296.
Molecular consequence: frameshift variant. On other transcripts: non-coding transcript variant (1).
Genome position (GRCh38, 1-based): chr6:80,203,146, T deleted; the last of 2 consecutive T bases (chr6:80,203,145-80,203,146); deleting either gives the same sequence. VCF-style (leftmost placement, unchanged base first): chr6-80203144-CT-C. GRCh37 (hg19) VCF-style: chr6-80912861-CT-C.
Other names: c.885del, p.Gly296fs (NM_000056.5); c.675del, p.Gly226fs (NM_001318975.1); c.885delT (NM_183050.2); c.885del (NM_183050.2); short protein forms G226fs, G296fs.
Identifiers: ClinVar variation 96616 (VCV000096616.15), dbSNP rs398124599, ClinGen allele CA224356.

ClinVar aggregate classification (germline): Conflicting classifications of pathogenicity. Review status: criteria provided, conflicting classifications (1 of 4 stars). 3 submissions from 3 submitters: Pathogenic (1); Likely pathogenic (1); Uncertain significance (1). Last evaluated 2023-11-13.

Conditions:
Maple syrup urine disease (MSUD). Identifiers: Orphanet 511, MedGen C0024776, MeSH D008375, MONDO:0009563. Disease mechanism: loss of function.

Submissions (3):

Labcorp Genetics (formerly Invitae), Labcorp
Classification: Pathogenic for Maple syrup urine disease. Last evaluated: 2023-11-13. Review status: criteria provided, single submitter. Criteria: Invitae Variant Classification Sherloc (09022015). Collection method: clinical testing. Allele origin: germline.
Comment: This sequence change creates a premature translational stop signal (p.Gly296Glufs*9) in the BCKDHB gene. It is expected to result in an absent or disrupted protein product. Loss-of-function variants in BCKDHB are known to be pathogenic (PMID: 16786533, 22593002). This variant is present in population databases (rs398124599, gnomAD 0.0009%). This variant has not been reported in the literature in individuals affected with BCKDHB-related conditions. ClinVar contains an entry for this variant (Variation ID: 96616). For these reasons, this variant has been classified as Pathogenic.

Genome-Nilou Lab
Classification: Likely pathogenic for Maple syrup urine disease type 1A. Last evaluated: 2021-11-07. Review status: criteria provided, single submitter. Criteria: ACMG Guidelines, 2015. Collection method: clinical testing. Allele origin: germline. Affected: no.

Elsea Laboratory, Baylor College of Medicine
Classification: Uncertain significance for Maple syrup urine disease type 1A. Last evaluated: 2020-04-01. Review status: criteria provided, single submitter. Criteria: ACMG Guidelines, 2015. Collection method: clinical testing. Allele origin: germline. Affected: no.

Literature cited by the submitters: PubMed 16786533 (cited by Labcorp Genetics (formerly Invitae), Labcorp); PubMed 22593002 (cited by Labcorp Genetics (formerly Invitae), Labcorp).